The following is an entry in ClinVar:

NM_016239.4(MYO15A):c.3576G>A (p.Trp1192Ter)

Gene: MYO15A (myosin XVA; plus strand). Cytogenetic location: 17p11.2.
Variant type: single nucleotide variant.
Coding change: c.3576G>A on transcript NM_016239.4 (MANE Select); coding-DNA position 3576, G replaced by A.
Protein change: p.Trp1192Ter; replaces tryptophan 1192 with a stop codon.
Molecular consequence: nonsense.
Genome position (GRCh38, 1-based): chr17:18,122,376, G>A. VCF-style: chr17-18122376-G-A. GRCh37 (hg19) VCF-style: chr17-18025690-G-A.
Other names: short protein forms W1192*.
Identifiers: ClinVar variation 1695373 (VCV001695373.6), dbSNP rs2545194243, ClinGen allele CA398588262.

ClinVar aggregate classification (germline): Pathogenic/Likely pathogenic. Review status: criteria provided, multiple submitters, no conflicts (2 of 4 stars). 2 submissions from 2 submitters: Pathogenic (1); Likely pathogenic (1). Last evaluated 2023-05-02.

Conditions:
Autosomal recessive nonsyndromic hearing loss 3. Also called: NEUROSENSORY NONSYNDROMIC RECESSIVE DEAFNESS 3. Identifiers: Orphanet 90636, MedGen C1838263, MONDO:0010860, OMIM 600316.

Allele frequency attached by ClinVar (database versions not stated): gnomAD exomes below 0.00001.

Submissions (2):

Labcorp Genetics (formerly Invitae), Labcorp
Classification: Pathogenic. Last evaluated: 2023-05-02. Review status: criteria provided, single submitter. Criteria: Invitae Variant Classification Sherloc (09022015). Collection method: clinical testing. Allele origin: germline.
Comment: For these reasons, this variant has been classified as Pathogenic. ClinVar contains an entry for this variant (Variation ID: 1695373). This variant has not been reported in the literature in individuals affected with MYO15A-related conditions. This variant is not present in population databases (gnomAD no frequency). This sequence change creates a premature translational stop signal (p.Trp1192*) in the MYO15A gene. It is expected to result in an absent or disrupted protein product. Loss-of-function variants in MYO15A are known to be pathogenic (PMID: 17546645).

Laboratory of Genetic Epidemiology, Research Centre for Medical Genetics
Classification: Likely pathogenic for Autosomal recessive nonsyndromic hearing loss 3. Review status: criteria provided, single submitter. Criteria: ACMG Guidelines, 2015. Collection method: clinical testing. Allele origin: paternal. Inheritance: Autosomal recessive inheritance. Affected: yes. Observed: 1 compound heterozygote.

Literature cited by the submitters: PubMed 17546645 (cited by Labcorp Genetics (formerly Invitae), Labcorp).